The following is an entry in ClinVar:

ClinVar aggregate classification (germline): Uncertain significance (1 of 4 stars; one submission).

Conditions:
Wilson-Turner syndrome (WTS). Also called: MENTAL RETARDATION, X-LINKED, SYNDROMIC 6; INTELLECTUAL DEVELOPMENTAL DISORDER, X-LINKED, SYNDROMIC, WILSON-TURNER TYPE. Identifiers: Orphanet 3459, MedGen C1839736, MONDO:0010665, OMIM 309585.

Submission:

Labcorp Genetics (formerly Invitae), Labcorp
Classification: Uncertain significance for Wilson-Turner syndrome. Last evaluated: 2019-12-05. Review status: criteria provided, single submitter. Criteria: Invitae Variant Classification Sherloc (09022015). Collection method: clinical testing. Allele origin: germline.
Comment: This sequence change replaces proline with alanine at codon 524 of the LAS1L protein (p.Pro524Ala). The proline residue is weakly conserved and there is a small physicochemical difference between proline and alanine. This variant is not present in population databases (ExAC no frequency). This variant has not been reported in the literature in individuals with LAS1L-related conditions. Algorithms developed to predict the effect of missense changes on protein structure and function (SIFT, PolyPhen-2, Align-GVGD) all suggest that this variant is likely to be tolerated, but these predictions have not been confirmed by published functional studies and their clinical significance is uncertain. In summary, the available evidence is currently insufficient to determine the role of this variant in disease. Therefore, it has been classified as a Variant of Uncertain Significance.

NM_031206.7(LAS1L):c.1570C>G (p.Pro524Ala)

Gene: LAS1L (LAS1 like ribosome biogenesis factor; minus strand). Cytogenetic location: Xq12.
Variant type: single nucleotide variant.
Coding change: c.1570C>G on transcript NM_031206.7 (MANE Select); coding-DNA position 1570, C replaced by G.
Protein change: p.Pro524Ala; replaces proline 524 with alanine.
Molecular consequence: missense variant. On other transcripts: non-coding transcript variant (1).
Genome position (GRCh38, 1-based): chrX:65,518,344, G>C on the plus strand (C>G on the coding strand, the complement: LAS1L is on the minus strand). VCF-style: chrX-65518344-G-C. GRCh37 (hg19) VCF-style: chrX-64738224-G-C.
Other names: c.1519C>G, p.Pro507Ala (NM_001170649.2, NM_001375333.1); c.1393C>G, p.Pro465Ala (NM_001170650.2); c.1570C>G, p.Pro524Ala (NM_001375328.1); c.613C>G, p.Pro205Ala (NM_001375332.1); short protein forms P524A, P465A, P205A, P507A.
Identifiers: ClinVar variation 864372 (VCV000864372.10), dbSNP rs2068725707, ClinGen allele CA413315529.
Genomic context (GRCh38, chrX:65,518,344, plus strand): 5'-AGCTGGCTGGCTTGACGCTCCAATACAGGCTGTCTAGTGTATATGGAGACTTCCCAATGG[G>C]GGAGGCCTCAGAGCCCTCCTGCACCAGGCTGTTTTCTCCACTCTGGGTATAAATGGAACA-3'
Protein context (NP_112483.1, residues 514-534): SLVQEGSEAS[Pro524Ala]IGKSPYTLDS